The following is an entry in ClinVar:

ClinVar aggregate classification (germline): Conflicting classifications of pathogenicity. Review status: criteria provided, conflicting classifications (1 of 4 stars). 3 submissions from 3 submitters: Uncertain significance (2); Likely benign (1). Last evaluated 2025-10-28.

Conditions:
Inborn genetic diseases. Identifiers: MedGen C0950123, MeSH D030342.

Allele frequency attached by ClinVar (database versions not stated): gnomAD 0.00006; ExAC 0.00016; TOPMed 0.00009; gnomAD exomes 0.00010.
gnomAD v4.1: 166 of 1,608,130 alleles (0.01%); highest among the groups gnomAD compares: East Asian, 0.21%; no homozygotes.

Submissions (3):

Labcorp Genetics (formerly Invitae), Labcorp
Classification: Likely benign. Last evaluated: 2025-10-28. Review status: criteria provided, single submitter. Criteria: Invitae Variant Classification Sherloc (09022015). Collection method: clinical testing. Allele origin: germline.

GeneDx
Classification: Uncertain significance. Last evaluated: 2025-08-14. Review status: criteria provided, single submitter. Criteria: GeneDx Variant Classification Process June 2021. Collection method: clinical testing. Allele origin: germline. Affected: yes.
Comment: In silico analysis suggests that this missense variant does not alter protein structure/function; Has not been previously published as pathogenic or benign to our knowledge

Ambry Genetics
Classification: Uncertain significance for Inborn genetic diseases. Last evaluated: 2022-05-13. Review status: criteria provided, single submitter. Criteria: Ambry Variant Classification Scheme 2023. Collection method: clinical testing. Allele origin: germline.

NM_173689.7(CRB2):c.3647T>G (p.Leu1216Arg)

Gene: CRB2 (crumbs cell polarity complex component 2; plus strand). Cytogenetic location: 9q33.3.
Variant type: single nucleotide variant.
Coding change: c.3647T>G on transcript NM_173689.7 (MANE Select); coding-DNA position 3647, T replaced by G.
Protein change: p.Leu1216Arg; replaces leucine 1216 with arginine.
Molecular consequence: missense variant. On other transcripts: non-coding transcript variant (1).
Genome position (GRCh38, 1-based): chr9:123,376,851, T>G. VCF-style: chr9-123376851-T-G. GRCh37 (hg19) VCF-style: chr9-126139130-T-G.
Other names: c.3647T>G (NM_173689.6); short protein forms L1216R.
Identifiers: ClinVar variation 1968556 (VCV001968556.7), dbSNP rs766137006, ClinGen allele CA5232579.